The following is an entry in ClinVar:

ClinVar aggregate classification (germline): Benign (1 of 4 stars; one submission).

Allele frequency attached by ClinVar (database versions not stated): gnomAD exomes 0.00042; 1000 Genomes Project 0.00339; TOPMed 0.00380; 1000 Genomes Project 30x 0.00390.
gnomAD v4.1: 563 of 398,538 alleles (0.14%); highest among the groups gnomAD compares: African/African-American, 1%; 3 homozygotes.

Submission:

CeGaT Center for Human Genetics Tuebingen
Classification: Benign. Last evaluated: 2026-07-01. Review status: criteria provided, single submitter. Criteria: CeGaT Center For Human Genetics Tuebingen Variant Classification Criteria Version 2. Collection method: clinical testing. Allele origin: germline. Affected: yes. Observed: 9 variant alleles.
Comment: KCNQ1OT1: BS1, BS2

NM_000218.3(KCNQ1):c.1394-5270T>G

Genes: KCNQ1 (potassium voltage-gated channel subfamily Q member 1; plus strand), KCNQ1OT1 (KCNQ1 opposite strand/antisense transcript 1; minus strand). Cytogenetic location: 11p15.5.
Variant type: single nucleotide variant.
Coding change: c.1394-5270T>G on transcript NM_000218.3 (MANE Select); 5270 bases into the intron before coding-DNA position 1394, T replaced by G.
Molecular consequence: intron variant. On other transcripts: non-coding transcript variant (1).
Genome position (GRCh38, 1-based): chr11:2,656,691, T>G. VCF-style: chr11-2656691-T-G. GRCh37 (hg19) VCF-style: chr11-2677921-T-G.
Other names: c.1124-5270T>G (NM_001406837.1); c.1298-5270T>G (NM_001406836.1); c.854-5270T>G (NM_001406838.1); c.1013-5270T>G (NM_181798.2).
Identifiers: ClinVar variation 2641441 (VCV002641441.24), dbSNP rs541210107, ClinGen allele CA216166983.